The following is an entry in ClinVar:

NM_000368.5(TSC1):c.1451G>A (p.Arg484Lys)

Gene: TSC1 (TSC complex subunit 1; minus strand). Cytogenetic location: 9q34.13.
Variant type: single nucleotide variant.
Coding change: c.1451G>A on transcript NM_000368.5 (MANE Select); coding-DNA position 1451, G replaced by A.
Protein change: p.Arg484Lys; replaces arginine 484 with lysine.
Molecular consequence: missense variant.
Genome position (GRCh38, 1-based): chr9:132,906,127, C>T on the plus strand (G>A on the coding strand, the complement: TSC1 is on the minus strand). VCF-style: chr9-132906127-C-T. GRCh37 (hg19) VCF-style: chr9-135781514-C-T.
Other names: c.1448G>A, p.Arg483Lys (NM_001162426.2, NM_001406597.1, NM_001406598.1 and 6 more transcripts); c.1298G>A, p.Arg433Lys (NM_001162427.2, NM_001406610.1); c.1088G>A, p.Arg363Lys (NM_001362177.2, NM_001406619.1, NM_001406624.1 and 5 more transcripts); c.1451G>A, p.Arg484Lys (NM_001406592.1, NM_001406593.1, NM_001406594.1 and 7 more transcripts); c.1085G>A, p.Arg362Lys (NM_001406620.1, NM_001406621.1, NM_001406622.1 and 2 more transcripts); c.500G>A, p.Arg167Lys (NM_001406626.1); c.497G>A, p.Arg166Lys (NM_001406627.1, NM_001406628.1); c.398G>A, p.Arg133Lys (NM_001406629.1, NM_001406630.1); and 1 more; short protein forms R133K, R362K, R432K, R483K, R484K, R167K, R433K, R166K.
Identifiers: ClinVar variation 2129920 (VCV002129920.5), dbSNP rs2131850238, ClinGen allele CA375365581.

ClinVar aggregate classification (germline): Conflicting classifications of pathogenicity. Review status: criteria provided, conflicting classifications (1 of 4 stars). 2 submissions from 2 submitters: Uncertain significance (1); Likely benign (1). Last evaluated 2026-07-06.

Conditions:
Tuberous sclerosis 1 (TSC1). Identifiers: Orphanet 805, MedGen C1854465, MONDO:0008612, OMIM 191100.
Hereditary cancer-predisposing syndrome. Also called: Tumor predisposition; Hereditary Cancer Syndrome; Hereditary neoplastic syndrome; Neoplastic Syndromes, Hereditary. Identifiers: Orphanet 140162, MedGen C0027672, MeSH D009386, MONDO:0015356.

Submissions (2):

Ambry Genetics
Classification: Likely benign for Hereditary cancer-predisposing syndrome. Last evaluated: 2026-07-06. Review status: criteria provided, single submitter. Criteria: Ambry Variant Classification Scheme 2023. Collection method: clinical testing. Allele origin: germline.

Labcorp Genetics (formerly Invitae), Labcorp
Classification: Uncertain significance for Tuberous sclerosis 1. Last evaluated: 2022-04-24. Review status: criteria provided, single submitter. Criteria: Invitae Variant Classification Sherloc (09022015). Collection method: clinical testing. Allele origin: germline.
Comment: This sequence change replaces arginine, which is basic and polar, with lysine, which is basic and polar, at codon 484 of the TSC1 protein (p.Arg484Lys). This variant is not present in population databases (gnomAD no frequency). In summary, the available evidence is currently insufficient to determine the role of this variant in disease. Therefore, it has been classified as a Variant of Uncertain Significance. Algorithms developed to predict the effect of missense changes on protein structure and function output the following: SIFT: "Tolerated"; PolyPhen-2: "Benign"; Align-GVGD: "Class C0". The lysine amino acid residue is found in multiple mammalian species, which suggests that this missense change does not adversely affect protein function. This variant has not been reported in the literature in individuals affected with TSC1-related conditions.